The following is an entry in ClinVar:

ClinVar aggregate classification (germline): Pathogenic. Review status: criteria provided, multiple submitters, no conflicts (2 of 4 stars). 3 submissions from 3 submitters: Pathogenic (3). Last evaluated 2023-06-19.

Conditions:
Hereditary breast ovarian cancer syndrome. Also called: Hereditary breast and ovarian cancer syndrome (HBOC); Hereditary breast and ovarian cancer syndrome; Hereditary breast and ovarian cancer; Hereditary breast and/or ovarian cancer syndrome; Breast and ovarian cancer; BRCA1- and BRCA2-Associated Hereditary Breast and Ovarian Cancer. Identifiers: Orphanet 145, MedGen C0677776, MeSH D061325, MONDO:0003582. Disease mechanism: loss of function.
Breast-ovarian cancer, familial, susceptibility to, 1 (BROVCA1). Also called: OVARIAN CANCER, SUSCEPTIBILITY TO; BRCA1 Hereditary Breast and Ovarian Cancer. Identifiers: Orphanet 145, MedGen C2676676, MONDO:0011450, OMIM 604370. Disease mechanism: loss of function.

Submissions (3):

Labcorp Genetics (formerly Invitae), Labcorp
Classification: Pathogenic for Hereditary breast ovarian cancer syndrome. Last evaluated: 2023-06-19. Review status: criteria provided, single submitter. Criteria: Invitae Variant Classification Sherloc (09022015). Collection method: clinical testing. Allele origin: germline.
Comment: Information on the frequency of this variant in the gnomAD database is not available, as this variant may be reported differently in the database. This variant has not been reported in the literature in individuals affected with BRCA1-related conditions. Algorithms developed to predict the effect of sequence changes on RNA splicing suggest that this variant may disrupt the consensus splice site. For these reasons, this variant has been classified as Pathogenic. This sequence change creates a premature translational stop signal (p.Lys45Tyrfs*5) in the BRCA1 gene. It is expected to result in an absent or disrupted protein product. Loss-of-function variants in BRCA1 are known to be pathogenic (PMID: 20104584).

Women's Health and Genetics/Laboratory Corporation of America, LabCorp
Classification: Pathogenic for Hereditary breast ovarian cancer syndrome. Last evaluated: 2022-01-07. Review status: criteria provided, single submitter. Criteria: LabCorp Variant Classification Summary - May 2015. Collection method: clinical testing. Allele origin: germline.
Comment: Variant summary: BRCA1 c.133_134+3delinsT is located in a canonical splice-site and is predicted to affect mRNA splicing resulting in a significantly altered protein due to either exon skipping, shortening, or inclusion of intronic material. Several computational tools predict a significant impact on normal splicing: four predict the variant abolishes a canonical 5 prime splicing donor site. This variant is also known as c.252_253+3delinsT in HGVS. At least one publication reports experimental evidence that this variant affects mRNA splicing (Brose_2004). The variant was absent in 250502 control chromosomes (gnomAD). c.133_134+3delinsT has been reported in the literature in individuals affected with Hereditary Breast, Ovarian Cancer and Childhood Sarcoma (examples: Brose_2004 and Brooks_2006). These data indicate that the variant is associated with disease. One clinical diagnostic laboratory and consortium (CIMBA) have submitted clinical-significance assessments for this variant to ClinVar after 2014 and classified the variant as pathogenic. Based on the evidence outlined above, the variant was classified as pathogenic.

Consortium of Investigators of Modifiers of BRCA1/2 (CIMBA), c/o University of Cambridge
Classification: Pathogenic for Breast-ovarian cancer, familial, susceptibility to, 1. Last evaluated: 2015-10-02. Review status: criteria provided, single submitter. Criteria: CIMBA Mutation Classification guidelines May 2016. Collection method: clinical testing. Allele origin: germline.

Literature cited by the submitters: PubMed 20104584 (cited by Labcorp Genetics (formerly Invitae), Labcorp); PubMed 16931905 (cited by Women's Health and Genetics/Laboratory Corporation of America, LabCorp); PubMed 15345110 (cited by Women's Health and Genetics/Laboratory Corporation of America, LabCorp).

NM_007294.4(BRCA1):c.133_134+3delinsT

Gene: BRCA1 (BRCA1 DNA repair associated; minus strand). Cytogenetic location: 17q21.31.
Variant type: Indel.
Coding change: c.133_134+3delinsT on transcript NM_007294.4 (MANE Select); coding-DNA position 133 through 3 bases into the intron after coding-DNA position 134, AAGTA replaced by T.
Molecular consequence: splice donor variant. On other transcripts: intron variant (42).
Genome position (GRCh38, 1-based): chr17:43,115,723-43,115,727, TACTT replaced by A on the plus strand (AAGTA replaced by T on the coding strand, the reverse complement: BRCA1 is on the minus strand). VCF-style: chr17-43115723-TACTT-A. GRCh37 (hg19) VCF-style: chr17-41267740-TACTT-A.
Other names: c.133_134+3delAAGTAinsT (NM_007294.3); c.-9_-8+3delinsT (NM_001407922.1, NM_001408469.1, NM_001408453.1 and 47 more transcripts); c.-125_-124+3delinsT (NM_001407746.1, NM_001408468.1, NM_001407842.1 and 13 more transcripts); c.-8+8290_-8+8294delinsT (NM_001408461.1, NM_001407738.1, NM_001407932.1 and 23 more transcripts); c.-56_-55+3delinsT (NM_001407886.1, NM_001408509.1, NM_001408508.1 and 52 more transcripts); c.133_134+3delinsT (NM_001407686.1, NM_001408397.1, NM_001407632.1 and 191 more transcripts); c.80+8290_80+8294delinsT (NM_001408451.1); c.-55+8290_-55+8294delinsT (NM_001407898.1, NM_001407881.1, NM_001407902.1); and 11 more.
Identifiers: ClinVar variation 54207 (VCV000054207.12), dbSNP rs397508856, ClinGen allele CA327737.